The following is an entry in ClinVar:

ClinVar aggregate classification (germline): Uncertain significance (1 of 4 stars; one submission).

Conditions:
Inborn genetic diseases. Identifiers: MedGen C0950123, MeSH D030342.

Submission:

Ambry Genetics
Classification: Uncertain significance for Inborn genetic diseases. Last evaluated: 2026-03-31. Review status: criteria provided, single submitter. Criteria: Ambry Variant Classification Scheme 2023. Collection method: clinical testing. Allele origin: germline.
Comment: The p.P131H variant (also known as c.392C>A), located in coding exon 1 of the WT1 gene, results from a C to A substitution at nucleotide position 392. The proline at codon 131 is replaced by histidine, an amino acid with similar properties. This amino acid position is conserved. In addition, the in silico prediction for this alteration is inconclusive. Based on the available evidence, the clinical significance of this variant remains unclear.

NM_024426.6(WT1):c.407C>A (p.Pro136His)

Genes: WT1 (WT1 transcription factor; minus strand), LOC107982234 (WT1/WT1-AS bi-directional promoter region; plus strand). Cytogenetic location: 11p13.
Variant type: single nucleotide variant.
Coding change: c.407C>A on transcript NM_024426.6 (MANE Select); coding-DNA position 407, C replaced by A.
Protein change: p.Pro136His; replaces proline 136 with histidine.
Molecular consequence: missense variant. On other transcripts: non-coding transcript variant (2).
Genome position (GRCh38, 1-based): chr11:32,434,954, G>T on the plus strand (C>A on the coding strand, the complement: WT1 is on the minus strand). VCF-style: chr11-32434954-G-T. GRCh37 (hg19) VCF-style: chr11-32456500-G-T.
Other names: c.407C>A, p.Pro136His (NM_001407045.1, NM_001407046.1, NM_001407047.1 and 6 more transcripts); c.188C>A, p.Pro63His (NM_001429031.1, NM_001429032.1, NM_001429033.1 and 1 more transcripts); short protein forms P131H, P136H, P63H.
Identifiers: ClinVar variation 4866786 (VCV004866786.1).